The following is an entry in ClinVar:

ClinVar aggregate classification (germline): Uncertain significance. Review status: criteria provided, multiple submitters, no conflicts (2 of 4 stars). 4 submissions from 4 submitters: Uncertain significance (3). 1 of the submissions does not count toward it. Last evaluated 2024-11-07.

Conditions:
Congenital aneurysm of ascending aorta (AAT1). Also called: AORTIC ANEURYSM, FAMILIAL THORACIC 1; ANNULOAORTIC ECTASIA; Aortic aneurysm, thoracic; Familial thoracic aortic aneurysm. Identifiers: Orphanet 229, MedGen C0345050, MONDO:0024559, OMIM 607086.
Familial thoracic aortic aneurysm and aortic dissection (TAAD). Also called: Thoracic aortic aneurysms and dissections. Identifiers: Orphanet 91387, MedGen C4707243, MONDO:0019625.
Aortic aneurysm, familial thoracic 4 (AAT4). Also called: AORTIC ANEURYSM/AORTIC DISSECTION AND PATENT DUCTUS ARTERIOSUS. Identifiers: MedGen C1851504, MONDO:0007568, OMIM 132900.

Allele frequency attached by ClinVar (database versions not stated): gnomAD exomes below 0.00001; ExAC 0.00002.
gnomAD v4.1: 6 of 1,614,186 alleles (0.00037%); highest among the groups gnomAD compares: Non-Finnish European, 0.00051%; no homozygotes.

Submissions (4):

Labcorp Genetics (formerly Invitae), Labcorp
Classification: Uncertain significance for Aortic aneurysm, familial thoracic 4. Last evaluated: 2024-11-07. Review status: criteria provided, single submitter. Criteria: Invitae Variant Classification Sherloc (09022015). Collection method: clinical testing. Allele origin: germline.
Comment: This sequence change replaces lysine, which is basic and polar, with glutamine, which is neutral and polar, at codon 1473 of the MYH11 protein (p.Lys1473Gln). This variant is present in population databases (rs749181134, gnomAD 0.002%). This missense change has been observed in individual(s) with thoracic aortic aneurysm (external communication). ClinVar contains an entry for this variant (Variation ID: 375854). Invitae Evidence Modeling of protein sequence and biophysical properties (such as structural, functional, and spatial information, amino acid conservation, physicochemical variation, residue mobility, and thermodynamic stability) indicates that this missense variant is not expected to disrupt MYH11 protein function with a negative predictive value of 95%. In summary, the available evidence is currently insufficient to determine the role of this variant in disease. Therefore, it has been classified as a Variant of Uncertain Significance.

Blueprint Genetics
Classification: Uncertain significance. Last evaluated: 2022-06-02. Review status: criteria provided, single submitter. Criteria: ACMG Guidelines, 2015. Collection method: clinical testing. Allele origin: germline.

Ambry Genetics
Classification: Uncertain significance for Familial thoracic aortic aneurysm and aortic dissection. Last evaluated: 2016-04-08. Review status: criteria provided, single submitter. Criteria: Ambry Variant Classification Scheme 2023. Collection method: clinical testing. Allele origin: germline.
Comment: The p.K1466Q variant (also known as c.4396A>C), located in coding exon 31 of the MYH11 gene, results from an A to C substitution at nucleotide position 4396. The lysine at codon 1466 is replaced by glutamine, an amino acid with similar properties, and is located in the coiled coil domain. Based on data from ExAC (Exome Aggregation Consortium (ExAC), Cambridge, MA (URL) [Accessed April 7, 2016]), the C allele has an overall frequency of <0.01% (1/106209). This amino acid position is well conserved in available vertebrate species. In addition, this alteration is predicted to be tolerated by in silico analysis. Since supporting evidence is limited at this time, the clinical significance of this variant remains unclear.

CSER _CC_NCGL, University of Washington
Classification: Uncertain significance for Familial thoracic aortic aneurysm. Last evaluated: 2016-08-01. Review status: no assertion criteria provided. Collection method: research. Allele origin: germline. Inheritance: Autosomal dominant inheritance. Study: CSER - NEXT Medicine variant annotation. Not counted in ClinVar's aggregate classification.

NM_002474.3(MYH11):c.4396A>C (p.Lys1466Gln)

Genes: MYH11 (myosin heavy chain 11; minus strand), NDE1 (nudE neurodevelopment protein 1; plus strand). Cytogenetic location: 16p13.11.
Variant type: single nucleotide variant.
Coding change: c.4396A>C on transcript NM_002474.3 (MANE Select); coding-DNA position 4396, A replaced by C.
Protein change: p.Lys1466Gln; replaces lysine 1466 with glutamine.
Molecular consequence: missense variant. On other transcripts: intron variant (2).
Genome position (GRCh38, 1-based): chr16:15,721,604, T>G on the plus strand (A>C on the coding strand, the complement: MYH11 is on the minus strand). VCF-style: chr16-15721604-T-G. GRCh37 (hg19) VCF-style: chr16-15815461-T-G.
Other names: c.4417A>C, p.Lys1473Gln (NM_001040113.2, NM_001040114.2); c.4396A>C, p.Lys1466Gln (NM_022844.3); c.948-2587T>G (NM_001143979.2, NM_017668.3); short protein forms K1473Q, K1466Q.
Identifiers: ClinVar variation 375854 (VCV000375854.15), dbSNP rs749181134, ClinGen allele CA7921669.